The following is an entry in ClinVar:

NM_001999.4(FBN2):c.6421G>A (p.Glu2141Lys)

Gene: FBN2 (fibrillin 2; minus strand). Cytogenetic location: 5q23.3.
Variant type: single nucleotide variant.
Coding change: c.6421G>A on transcript NM_001999.4 (MANE Select); coding-DNA position 6421, G replaced by A.
Protein change: p.Glu2141Lys; replaces glutamic acid 2141 with lysine.
Molecular consequence: missense variant.
Genome position (GRCh38, 1-based): chr5:128,290,756, C>T on the plus strand (G>A on the coding strand, the complement: FBN2 is on the minus strand). VCF-style: chr5-128290756-C-T. GRCh37 (hg19) VCF-style: chr5-127626448-C-T.
Other names: short protein forms E2141K.
Identifiers: ClinVar variation 2576738 (VCV002576738.4), dbSNP rs2479682189, ClinGen allele CA360763487.
Genomic context (GRCh38, chr5:128,290,756, plus strand): 5'-ACACAAAGTGCTGTCTGATGATGTCATTGCTCTTACCTTCATCGTCTTTGGGGCACAGCT[C>T]ACAGGGGTCCCCCCAGCCCTCTCCTGGCATCTTACTACAGCAGCATTTTGCTTTTGTGGT-3'
Protein context (NP_001990.2, residues 2131-2151): MPGEGWGDPC[Glu2141Lys]LCPKDDEVAF

ClinVar aggregate classification (germline): Uncertain significance. Review status: criteria provided, multiple submitters, no conflicts (2 of 4 stars). 2 submissions from 2 submitters: Uncertain significance (2). Last evaluated 2024-01-25.

Conditions:
Congenital contractural arachnodactyly (CCA). Also called: BEALS SYNDROME; Arthrogryposis, distal, type 9; Beals-Hecht syndrome. Identifiers: Orphanet 115, MedGen C0220668, MONDO:0007363, OMIM 121050.

Submissions (2):

Labcorp Genetics (formerly Invitae), Labcorp
Classification: Uncertain significance for Congenital contractural arachnodactyly. Last evaluated: 2024-01-25. Review status: criteria provided, single submitter. Criteria: Invitae Variant Classification Sherloc (09022015). Collection method: clinical testing. Allele origin: germline.
Comment: This sequence change replaces glutamic acid, which is acidic and polar, with lysine, which is basic and polar, at codon 2141 of the FBN2 protein (p.Glu2141Lys). This variant is not present in population databases (gnomAD no frequency). This variant has not been reported in the literature in individuals affected with FBN2-related conditions. ClinVar contains an entry for this variant (Variation ID: 2576738). Advanced modeling of protein sequence and biophysical properties (such as structural, functional, and spatial information, amino acid conservation, physicochemical variation, residue mobility, and thermodynamic stability) has been performed at Invitae for this missense variant, however the output from this modeling did not meet the statistical confidence thresholds required to predict the impact of this variant on FBN2 protein function. In summary, the available evidence is currently insufficient to determine the role of this variant in disease. Therefore, it has been classified as a Variant of Uncertain Significance.

GeneDx
Classification: Uncertain significance. Last evaluated: 2023-02-21. Review status: criteria provided, single submitter. Criteria: GeneDx Variant Classification Process June 2021. Collection method: clinical testing. Allele origin: germline. Affected: yes.
Comment: Not observed at significant frequency in large population cohorts (gnomAD); In silico analysis supports that this missense variant has a deleterious effect on protein structure/function; Has not been previously published as pathogenic or benign to our knowledge